The following is an entry in ClinVar:

NM_000059.4(BRCA2):c.6841+2T>C

Gene: BRCA2 (BRCA2 DNA repair associated; plus strand). Cytogenetic location: 13q13.1.
Variant type: single nucleotide variant.
Coding change: c.6841+2T>C on transcript NM_000059.4 (MANE Select); the canonical splice donor site of the intron after coding-DNA position 6841, T replaced by C.
Molecular consequence: splice donor variant. On other transcripts: intron variant (2).
Genome position (GRCh38, 1-based): chr13:32,341,198, T>C. VCF-style: chr13-32341198-T-C. GRCh37 (hg19) VCF-style: chr13-32915335-T-C.
Other names: c.6841+2T>C (NM_001406720.1, NM_001406719.1); c.1910-3360T>C (NM_001406721.1); c.425-3360T>C (NM_001406722.1).
Identifiers: ClinVar variation 3228099 (VCV003228099.2), dbSNP rs1593909960, ClinGen allele CA387791536.

ClinVar aggregate classification (germline): Conflicting classifications of pathogenicity. Review status: criteria provided, conflicting classifications (1 of 4 stars). 2 submissions from 2 submitters: Likely pathogenic (1); Uncertain significance (1). Last evaluated 2026-09-02.

Conditions:
Breast-ovarian cancer, familial, susceptibility to, 2 (BROVCA2). Also called: BRCA2 Hereditary Breast and Ovarian Cancer. Identifiers: Orphanet 145, MedGen C2675520, MONDO:0012933, OMIM 612555. Disease mechanism: loss of function.
Hereditary cancer-predisposing syndrome. Also called: Tumor predisposition; Hereditary neoplastic syndrome; Hereditary Cancer Syndrome; Neoplastic Syndromes, Hereditary. Identifiers: Orphanet 140162, MedGen C0027672, MeSH D009386, MONDO:0015356.

Submissions (2):

Myriad Genetics, Inc.
Classification: Likely pathogenic for Breast-ovarian cancer, familial, susceptibility to, 2. Last evaluated: 2026-09-02. Review status: criteria provided, single submitter. Criteria: Myriad Autosomal Dominant, Autosomal Recessive and X-Linked Classification Criteria (2023). Collection method: clinical testing. Allele origin: unknown.
Comment: This variant is considered likely pathogenic. This variant occurs within a consensus splice junction and is predicted to result in abnormal mRNA splicing of either an out-of-frame exon or an in-frame exon necessary for protein stability and/or normal function.

Ambry Genetics
Classification: Uncertain significance for Hereditary cancer-predisposing syndrome. Last evaluated: 2023-10-03. Review status: criteria provided, single submitter. Criteria: Ambry Variant Classification Scheme 2023. Collection method: clinical testing. Allele origin: germline.
Comment: The c.6841+2T>C intronic variant results from a T to C substitution two nucleotides after coding exon 10 in the BRCA2 gene. This nucleotide position is highly conserved in available vertebrate species. In silico splice site analysis predicts that this alteration will weaken the native splice donor site; however, direct evidence is insufficient at this time (Ambry internal data). Alterations that disrupt the canonical splice site are expected to cause aberrant splicing, resulting in an abnormal protein or a transcript that is subject to nonsense-mediated mRNA decay; however, +2T>C alterations are capable of generating wild-type transcripts in some genomic contexts and should be interpreted with caution (Lin JH et al. Hum Mutat. 2019 10;40:1856-1873). Since supporting evidence is limited at this time, the clinical significance of this alteration remains unclear.